The following is an entry in ClinVar:

ClinVar aggregate classification (germline): Uncertain significance (1 of 4 stars; one submission).

Conditions:
Hereditary breast ovarian cancer syndrome. Also called: BRCA1- and BRCA2-Associated Hereditary Breast and Ovarian Cancer; Breast and ovarian cancer; Hereditary breast and/or ovarian cancer syndrome; Hereditary breast and ovarian cancer; Hereditary breast and ovarian cancer syndrome (HBOC); Hereditary breast and ovarian cancer syndrome. Identifiers: Orphanet 145, MedGen C0677776, MeSH D061325, MONDO:0003582. Disease mechanism: loss of function.

Submission:

Labcorp Genetics (formerly Invitae), Labcorp
Classification: Uncertain significance for Hereditary breast ovarian cancer syndrome. Last evaluated: 2023-07-30. Review status: criteria provided, single submitter. Criteria: Invitae Variant Classification Sherloc (09022015). Collection method: clinical testing. Allele origin: germline.
Comment: In summary, the available evidence is currently insufficient to determine the role of this variant in disease. Therefore, it has been classified as a Variant of Uncertain Significance. Advanced modeling of protein sequence and biophysical properties (such as structural, functional, and spatial information, amino acid conservation, physicochemical variation, residue mobility, and thermodynamic stability) performed at Invitae indicates that this missense variant is not expected to disrupt BRCA1 protein function. This variant has not been reported in the literature in individuals affected with BRCA1-related conditions. This variant is not present in population databases (gnomAD no frequency). This sequence change replaces proline, which is neutral and non-polar, with arginine, which is basic and polar, at codon 1445 of the BRCA1 protein (p.Pro1445Arg).

NM_007294.4(BRCA1):c.4334C>G (p.Pro1445Arg)

Gene: BRCA1 (BRCA1 DNA repair associated; minus strand). Cytogenetic location: 17q21.31.
Variant type: single nucleotide variant.
Coding change: c.4334C>G on transcript NM_007294.4 (MANE Select); coding-DNA position 4334, C replaced by G.
Protein change: p.Pro1445Arg; replaces proline 1445 with arginine.
Molecular consequence: missense variant.
Genome position (GRCh38, 1-based): chr17:43,082,427, G>C on the plus strand (C>G on the coding strand, the complement: BRCA1 is on the minus strand). VCF-style: chr17-43082427-G-C. GRCh37 (hg19) VCF-style: chr17-41234444-G-C.
Other names: c.4187C>G, p.Pro1396Arg (NM_001407847.1, NM_001407848.1, NM_001407849.1); c.4190C>G, p.Pro1397Arg (NM_001407850.1, NM_001407852.1, NM_001407851.1 and 23 more transcripts); c.4334C>G, p.Pro1445Arg (NM_001407854.1, NM_001407858.1, NM_001407859.1 and 23 more transcripts); c.4331C>G, p.Pro1444Arg (NM_001407860.1, NM_001407861.1, NM_001407587.1 and 21 more transcripts); c.4121C>G, p.Pro1374Arg (NM_001407853.1, NM_001407571.1, NM_001407894.1 and 12 more transcripts); c.4328C>G, p.Pro1443Arg (NM_001407627.1, NM_001407628.1, NM_001407629.1 and 5 more transcripts); c.4322C>G, p.Pro1441Arg (NM_001407646.1, NM_001407647.1); c.4211C>G, p.Pro1404Arg (NM_001407648.1, NM_001407664.1, NM_001407665.1 and 13 more transcripts); and 51 more; short protein forms P1276R, P1318R, P1333R, P1378R, P1417R, P1419R, P1444R, P214R.
Identifiers: ClinVar variation 2748372 (VCV002748372.3), dbSNP rs2154146497, ClinGen allele CA10593055.